The following is an entry in ClinVar:

ClinVar aggregate classification (germline): Likely benign (1 of 4 stars; one submission).

Allele frequency attached by ClinVar (database versions not stated): ExAC 0.00020; gnomAD 0.00055; TOPMed 0.00066; 1000 Genomes Project 0.00080; 1000 Genomes Project 30x 0.00094.
gnomAD v4.1: 231 of 1,613,646 alleles (0.014%); highest among the groups gnomAD compares: African/African-American, 0.15%; no homozygotes.

Submission:

CeGaT Center for Human Genetics Tuebingen
Classification: Likely benign. Last evaluated: 2023-08-01. Review status: criteria provided, single submitter. Criteria: CeGaT Center For Human Genetics Tuebingen Variant Classification Criteria Version 2. Collection method: clinical testing. Allele origin: germline. Affected: yes. Observed: 1 variant allele.
Comment: FLG: BP4, BP7

NM_002016.2(FLG):c.3849C>T (p.Ser1283=)

Genes: CCDST (cervical cancer associated DHX9 suppressive transcript; plus strand), FLG (filaggrin; minus strand). Cytogenetic location: 1q21.3.
Variant type: single nucleotide variant.
Coding change: c.3849C>T on transcript NM_002016.2 (MANE Select); coding-DNA position 3849, C replaced by T.
Protein change: p.Ser1283=; no amino-acid change (serine 1283 retained).
Molecular consequence: synonymous variant.
Genome position (GRCh38, 1-based): chr1:152,311,037, G>A on the plus strand (C>T on the coding strand, the complement: FLG is on the minus strand). VCF-style: chr1-152311037-G-A. GRCh37 (hg19) VCF-style: chr1-152283513-G-A.
Identifiers: ClinVar variation 2639291 (VCV002639291.24), dbSNP rs576683386, ClinGen allele CA1106486.
Genomic context (GRCh38, chr1:152,311,037, plus strand): 5'-TCTTGACTGCTCCCGAGAAGATCCATGATGGTTTCTGGAAGCAGACCCAGACAACCTCTC[G>A]GAGTCGTCTGAGTGTCTCTCACTGTCACTGTCCTGGCTAACACTGGATCCCTGGTGCCTG-3'
Protein context (NP_002007.1, residues 1273-1293): DSDSERHSDD[Ser1283=]ERLSGSASRN